The following is an entry in ClinVar:

ClinVar aggregate classification (germline): Likely benign (1 of 4 stars; one submission).

Allele frequency attached by ClinVar (database versions not stated): 1000 Genomes Project 0.00140; 1000 Genomes Project 30x 0.00156; gnomAD 0.00175; TOPMed 0.00183; ESP Exome Variant Server 0.00208; ExAC 0.00246.
gnomAD v4.1: 4,311 of 1,612,086 alleles (0.27%); highest among the groups gnomAD compares: Non-Finnish European, 0.34%; 4 homozygotes.

Submission:

CeGaT Center for Human Genetics Tuebingen
Classification: Likely benign. Last evaluated: 2023-01-01. Review status: criteria provided, single submitter. Criteria: CeGaT Center For Human Genetics Tuebingen Variant Classification Criteria Version 2. Collection method: clinical testing. Allele origin: germline. Affected: yes. Observed: 1 variant allele.
Comment: MFHAS1: BP4, BP7

NM_004225.3(MFHAS1):c.1098G>C (p.Arg366=)

Gene: MFHAS1 (multifunctional ROCO family signaling regulator 1). Cytogenetic location: 8p23.1.
Variant type: single nucleotide variant.
Coding change: c.1098G>C on transcript NM_004225.3 (MANE Select); coding-DNA position 1098, G replaced by C.
Protein change: p.Arg366=; no amino-acid change (arginine 366 retained).
Molecular consequence: synonymous variant.
Genome position (GRCh38, 1-based): chr8:8,891,961, C>G on the plus strand (G>C on the coding strand, the complement: MFHAS1 is on the minus strand). VCF-style: chr8-8891961-C-G. GRCh37 (hg19) VCF-style: chr8-8749471-C-G.
Identifiers: ClinVar variation 2658378 (VCV002658378.24), dbSNP rs145659266, ClinGen allele CA4619343.
Genomic context (GRCh38, chr8:8,891,961, plus strand): 5'-CATGCAGACCTCGTAGGGGGGCTGGATCAGTGGGTTGTCTTTGATCTTCCACAAACCCAC[C>G]CGGGAGAGCTGGCCAAAGTGGTCGGGCAGCACCGCGATCTGGTTCCCCTGCAGCACGAGC-3'
Protein context (NP_004216.2, residues 356-376): VLPDHFGQLS[Arg366=]VGLWKIKDNP